The following is an entry in ClinVar:

NM_001292034.3(TAB2):c.316A>G (p.Ser106Gly)

Gene: TAB2 (TGF-beta activated kinase 1 (MAP3K7) binding protein 2; plus strand). Cytogenetic location: 6q25.1.
Variant type: single nucleotide variant.
Coding change: c.316A>G on transcript NM_001292034.3 (MANE Select); coding-DNA position 316, A replaced by G.
Protein change: p.Ser106Gly; replaces serine 106 with glycine.
Molecular consequence: missense variant.
Genome position (GRCh38, 1-based): chr6:149,378,231, A>G. VCF-style: chr6-149378231-A-G. GRCh37 (hg19) VCF-style: chr6-149699367-A-G.
Other names: c.220A>G, p.Ser74Gly (NM_001292035.3); c.316A>G, p.Ser106Gly (NM_001369506.1, NM_015093.6); short protein forms S106G, S74G.
Identifiers: ClinVar variation 4692522 (VCV004692522.1).

ClinVar aggregate classification (germline): Uncertain significance (1 of 4 stars; one submission).

gnomAD v4.1: 5 of 1,613,932 alleles (0.00031%); highest among the groups gnomAD compares: Non-Finnish European, 0.00042%; no homozygotes.

Submission:

Labcorp Genetics (formerly Invitae), Labcorp
Classification: Uncertain significance. Last evaluated: 2025-07-13. Review status: criteria provided, single submitter. Criteria: Invitae Variant Classification Sherloc (09022015). Collection method: clinical testing. Allele origin: germline.
Comment: This sequence change replaces serine, which is neutral and polar, with glycine, which is neutral and non-polar, at codon 106 of the TAB2 protein (p.Ser106Gly). This variant is present in population databases (no rsID available, gnomAD 0.002%). This variant has not been reported in the literature in individuals affected with TAB2-related conditions. Invitae Evidence Modeling of protein sequence and biophysical properties (such as structural, functional, and spatial information, amino acid conservation, physicochemical variation, residue mobility, and thermodynamic stability) has been performed for this missense variant. However, the output from this modeling did not meet the statistical confidence thresholds required to predict the impact of this variant on TAB2 protein function. Studies have shown that this missense change is associated with inconclusive levels of altered splicing (PMID: 36229919). In summary, the available evidence is currently insufficient to determine the role of this variant in disease. Therefore, it has been classified as a Variant of Uncertain Significance.

Literature cited by the submitters: PubMed 36229919.